The following is an entry in ClinVar:

NM_017837.4(PIGV):c.268G>A (p.Gly90Ser)

Gene: PIGV (phosphatidylinositol glycan anchor biosynthesis class V; plus strand). Cytogenetic location: 1p36.11.
Variant type: single nucleotide variant.
Coding change: c.268G>A on transcript NM_017837.4 (MANE Select); coding-DNA position 268, G replaced by A.
Protein change: p.Gly90Ser; replaces glycine 90 with serine.
Molecular consequence: missense variant. On other transcripts: 5 prime UTR variant (1), non-coding transcript variant (1), intron variant (3).
Genome position (GRCh38, 1-based): chr1:26,794,302, G>A. VCF-style: chr1-26794302-G-A. GRCh37 (hg19) VCF-style: chr1-27120793-G-A.
Other names: c.268G>A, p.Gly90Ser (NM_001202554.2, NM_001374478.1, NM_001374480.1 and 2 more transcripts); c.-114G>A (NM_001374483.1); c.172+96G>A (NM_001374484.1, NM_001374485.1); c.79-3261G>A (NM_001374486.1); short protein forms G90S.
Identifiers: ClinVar variation 1440897 (VCV001440897.7), dbSNP rs201121029, ClinGen allele CA708028.

ClinVar aggregate classification (germline): Uncertain significance. Review status: criteria provided, multiple submitters, no conflicts (2 of 4 stars). 2 submissions from 2 submitters: Uncertain significance (2). Last evaluated 2024-01-10.

Allele frequency attached by ClinVar (database versions not stated): gnomAD exomes below 0.00001; ExAC 0.00001; gnomAD 0.00001; 1000 Genomes Project 30x 0.00016; 1000 Genomes Project 0.00020.
gnomAD v4.1: 3 of 1,614,214 alleles (0.00019%); highest among the groups gnomAD compares: Admixed American, 0.005%; no homozygotes.

Submissions (2):

Labcorp Genetics (formerly Invitae), Labcorp
Classification: Uncertain significance. Last evaluated: 2024-01-10. Review status: criteria provided, single submitter. Criteria: Invitae Variant Classification Sherloc (09022015). Collection method: clinical testing. Allele origin: germline.
Comment: This sequence change replaces glycine, which is neutral and non-polar, with serine, which is neutral and polar, at codon 90 of the PIGV protein (p.Gly90Ser). This variant is not present in population databases (gnomAD no frequency). This variant has not been reported in the literature in individuals affected with PIGV-related conditions. ClinVar contains an entry for this variant (Variation ID: 1440897). Advanced modeling of protein sequence and biophysical properties (such as structural, functional, and spatial information, amino acid conservation, physicochemical variation, residue mobility, and thermodynamic stability) performed at Invitae indicates that this missense variant is not expected to disrupt PIGV protein function with a negative predictive value of 80%. In summary, the available evidence is currently insufficient to determine the role of this variant in disease. Therefore, it has been classified as a Variant of Uncertain Significance.

Blueprint Genetics
Classification: Uncertain significance. Last evaluated: 2023-02-01. Review status: criteria provided, single submitter. Criteria: ACMG Guidelines, 2015. Collection method: clinical testing. Allele origin: germline.